The following is an entry in ClinVar:

NM_000432.4(MYL2):c.11A>G (p.Lys4Arg)

Genes: MYL2 (myosin light chain 2; minus strand), LOC114827850 (VISTA enhancer hs2149; plus strand). Cytogenetic location: 12q24.11.
Variant type: single nucleotide variant.
Coding change: c.11A>G on transcript NM_000432.4 (MANE Select); coding-DNA position 11, A replaced by G.
Protein change: p.Lys4Arg; replaces lysine 4 with arginine.
Molecular consequence: missense variant. On other transcripts: 5 prime UTR variant (1).
Genome position (GRCh38, 1-based): chr12:110,919,186, T>C on the plus strand (A>G on the coding strand, the complement: MYL2 is on the minus strand). VCF-style: chr12-110919186-T-C. GRCh37 (hg19) VCF-style: chr12-111356990-T-C.
Other names: c.11A>G, p.Lys4Arg (NM_001406745.1, NM_001406746.1); c.-47A>G (NM_001406916.1); short protein forms K4R.
Identifiers: ClinVar variation 2773981 (VCV002773981.2), dbSNP rs2136777488, ClinGen allele CA386700362.

ClinVar aggregate classification (germline): Uncertain significance (1 of 4 stars; one submission).

Conditions:
Cardiomyopathy (CMYO). Also called: Cardiomyopathies. Identifiers: Orphanet 167848, MedGen C0878544, MONDO:0004994, HP:0001638. Inheritance: Various modes of inheritance.

Allele frequency attached by ClinVar (database versions not stated): gnomAD exomes below 0.00001.
gnomAD v4.1: 1 of 1,613,380 alleles (0.000062%); highest among the groups gnomAD compares: East Asian, 0.0022%; no homozygotes.

Submission:

Color Diagnostics, LLC DBA Color Health
Classification: Uncertain significance for Cardiomyopathy. Last evaluated: 2024-03-06. Review status: criteria provided, single submitter. Criteria: ACMG Guidelines, 2015. Collection method: clinical testing. Allele origin: germline.
Comment: This missense variant replaces lysine with arginine at codon 4 of the MYL2 protein. Computational prediction suggests that this variant may not impact protein structure and function (internally defined REVEL score threshold <= 0.5, PMID: 27666373). To our knowledge, functional studies have not been reported for this variant. This variant has not been reported in individuals affected with cardiovascular disorders in the literature. This variant has not been identified in the general population by the Genome Aggregation Database (gnomAD). The available evidence is insufficient to determine the role of this variant in disease conclusively. Therefore, this variant is classified as a Variant of Uncertain Significance.